The following is an entry in ClinVar:

ClinVar aggregate classification (germline): Benign/Likely benign. Review status: criteria provided, multiple submitters, no conflicts (2 of 4 stars). 3 submissions from 3 submitters: Benign (1); Likely benign (1). 1 of the submissions does not count toward it. Last evaluated 2026-01-12.

Conditions:
SAMD11-related disorder. Also called: SAMD11-related condition.

Allele frequency attached by ClinVar (database versions not stated): 1000 Genomes Project 30x 0.00031; 1000 Genomes Project 0.00040; TOPMed 0.00047; ESP Exome Variant Server 0.00054; ExAC 0.00211; gnomAD 0.00222 and 0.00233; gnomAD exomes 0.00247.
gnomAD v4.1: 2,376 of 1,613,350 alleles (0.15%); highest among the groups gnomAD compares: Non-Finnish European, 0.091%; 21 homozygotes.

Submissions (3):

Labcorp Genetics (formerly Invitae), Labcorp
Classification: Benign. Last evaluated: 2026-01-12. Review status: criteria provided, single submitter. Criteria: Invitae Variant Classification Sherloc (09022015). Collection method: clinical testing. Allele origin: germline.

CeGaT Center for Human Genetics Tuebingen
Classification: Likely benign. Last evaluated: 2023-01-01. Review status: criteria provided, single submitter. Criteria: CeGaT Center For Human Genetics Tuebingen Variant Classification Criteria Version 2. Collection method: clinical testing. Allele origin: germline. Affected: yes. Observed: 1 variant allele.
Comment: SAMD11: BP4, BS2

PreventionGenetics, part of Exact Sciences
Classification: Benign for SAMD11-related condition. Last evaluated: 2019-10-30. Review status: no assertion criteria provided. Collection method: clinical testing. Allele origin: germline. Not counted in ClinVar's aggregate classification.
Comment: This variant is classified as benign based on ACMG/AMP sequence variant interpretation guidelines (Richards et al. 2015 PMID: 25741868, with internal and published modifications).

NM_001385641.1(SAMD11):c.850G>A (p.Gly284Ser)

Gene: SAMD11 (sterile alpha motif domain containing 11; plus strand). Cytogenetic location: 1p36.33.
Variant type: single nucleotide variant.
Coding change: c.850G>A on transcript NM_001385641.1 (MANE Select); coding-DNA position 850, G replaced by A.
Protein change: p.Gly284Ser; replaces glycine 284 with serine.
Molecular consequence: missense variant.
Genome position (GRCh38, 1-based): chr1:935,779, G>A. VCF-style: chr1-935779-G-A. GRCh37 (hg19) VCF-style: chr1-871159-G-A.
Other names: c.313G>A (NM_152486.2); c.850G>A, p.Gly284Ser (NM_001385640.1); c.313G>A, p.Gly105Ser (NM_152486.4); short protein forms G105S, G284S.
Identifiers: ClinVar variation 1167937 (VCV001167937.34), dbSNP rs143282473, ClinGen allele CA502552.